The following is an entry in ClinVar:

ClinVar aggregate classification (germline): Uncertain significance (1 of 4 stars; one submission).

Conditions:
Emery-Dreifuss muscular dystrophy 4, autosomal dominant (EDMD4). Also called: EMERY-DREIFUSS MUSCULAR DYSTROPHY 4 WITH VARIABLE FEATURES. Identifiers: Orphanet 261, MedGen C2751807, MONDO:0013071, OMIM 612998.
Autosomal recessive ataxia, Beauce type. Also called: Spinocerebellar ataxia, autosomal recessive 8; ATAXIA, RECESSIVE, OF BEAUCE; SYNE1 Deficiency; SYNE1-Related Autosomal Recessive Cerebellar Ataxia. Identifiers: Orphanet 88644, MedGen C1853116, MONDO:0012549, OMIM 610743.

Allele frequency attached by ClinVar (database versions not stated): gnomAD 0.00001; gnomAD exomes 0.00001.
gnomAD v4.1: 24 of 1,614,138 alleles (0.0015%); highest among the groups gnomAD compares: African/African-American, 0.0053%; no homozygotes.

Submission:

Labcorp Genetics (formerly Invitae), Labcorp
Classification: Uncertain significance for Emery-Dreifuss muscular dystrophy 4, autosomal dominant; Autosomal recessive ataxia, Beauce type. Last evaluated: 2022-07-06. Review status: criteria provided, single submitter. Criteria: Invitae Variant Classification Sherloc (09022015). Collection method: clinical testing. Allele origin: germline.
Comment: This sequence change replaces glutamic acid, which is acidic and polar, with alanine, which is neutral and non-polar, at codon 1513 of the SYNE1 protein (p.Glu1513Ala). This variant is present in population databases (rs577388500, gnomAD 0.006%). This variant has not been reported in the literature in individuals affected with SYNE1-related conditions. ClinVar contains an entry for this variant (Variation ID: 1425002). Algorithms developed to predict the effect of missense changes on protein structure and function output the following: SIFT: "Tolerated"; PolyPhen-2: "Benign"; Align-GVGD: "Class C0". The alanine amino acid residue is found in multiple mammalian species, which suggests that this missense change does not adversely affect protein function. In summary, the available evidence is currently insufficient to determine the role of this variant in disease. Therefore, it has been classified as a Variant of Uncertain Significance.

NM_182961.4(SYNE1):c.4517A>C (p.Glu1506Ala)

Gene: SYNE1 (spectrin repeat containing nuclear envelope protein 1; minus strand). Cytogenetic location: 6q25.2.
Variant type: single nucleotide variant.
Coding change: c.4517A>C on transcript NM_182961.4 (MANE Select); coding-DNA position 4517, A replaced by C.
Protein change: p.Glu1506Ala; replaces glutamic acid 1506 with alanine.
Molecular consequence: missense variant.
Genome position (GRCh38, 1-based): chr6:152,430,654, T>G on the plus strand (A>C on the coding strand, the complement: SYNE1 is on the minus strand). VCF-style: chr6-152430654-T-G. GRCh37 (hg19) VCF-style: chr6-152751789-T-G.
Other names: c.4538A>C, p.Glu1513Ala (NM_033071.5); short protein forms E1506A, E1513A.
Identifiers: ClinVar variation 1425002 (VCV001425002.5), dbSNP rs577388500, ClinGen allele CA150219567.